The following is an entry in ClinVar:

NM_001793.6(CDH3):c.103G>A (p.Glu35Lys)

Genes: CDH3 (cadherin 3; plus strand), CDH3-AS1 (CDH3 antisense RNA 1; minus strand). Cytogenetic location: 16q22.1.
Variant type: single nucleotide variant.
Coding change: c.103G>A on transcript NM_001793.6 (MANE Select); coding-DNA position 103, G replaced by A.
Protein change: p.Glu35Lys; replaces glutamic acid 35 with lysine.
Molecular consequence: missense variant. On other transcripts: intron variant (1).
Genome position (GRCh38, 1-based): chr16:68,645,693, G>A. VCF-style: chr16-68645693-G-A. GRCh37 (hg19) VCF-style: chr16-68679596-G-A.
Other names: c.103G>A, p.Glu35Lys (NM_001317195.3); c.-6+269G>A (NM_001317196.2); short protein forms E35K.
Identifiers: ClinVar variation 2115602 (VCV002115602.4), dbSNP rs2543671845, ClinGen allele CA396455279.

ClinVar aggregate classification (germline): Uncertain significance (1 of 4 stars; one submission).

Allele frequency attached by ClinVar (database versions not stated): gnomAD exomes below 0.00001.
gnomAD v4.1: 1 of 1,546,428 alleles (0.000065%); highest among the groups gnomAD compares: Non-Finnish European, 0.000087%; no homozygotes.

Submission:

Labcorp Genetics (formerly Invitae), Labcorp
Classification: Uncertain significance. Last evaluated: 2022-05-11. Review status: criteria provided, single submitter. Criteria: Invitae Variant Classification Sherloc (09022015). Collection method: clinical testing. Allele origin: germline.
Comment: This sequence change replaces glutamic acid, which is acidic and polar, with lysine, which is basic and polar, at codon 35 of the CDH3 protein (p.Glu35Lys). This variant is not present in population databases (gnomAD no frequency). This variant has not been reported in the literature in individuals affected with CDH3-related conditions. Algorithms developed to predict the effect of missense changes on protein structure and function are either unavailable or do not agree on the potential impact of this missense change (SIFT: "Not Available"; PolyPhen-2: "Benign"; Align-GVGD: "Not Available"). In summary, the available evidence is currently insufficient to determine the role of this variant in disease. Therefore, it has been classified as a Variant of Uncertain Significance.